The following is an entry in ClinVar:

NM_001943.5(DSG2):c.245G>A (p.Gly82Glu)

Gene: DSG2 (desmoglein 2; plus strand). Cytogenetic location: 18q12.1.
Variant type: single nucleotide variant.
Coding change: c.245G>A on transcript NM_001943.5 (MANE Select); coding-DNA position 245, G replaced by A.
Protein change: p.Gly82Glu; replaces glycine 82 with glutamic acid.
Molecular consequence: missense variant.
Genome position (GRCh38, 1-based): chr18:31,520,831, G>A. VCF-style: chr18-31520831-G-A. GRCh37 (hg19) VCF-style: chr18-29100794-G-A.
Other names: short protein forms G82E.
Identifiers: ClinVar variation 1502638 (VCV001502638.6), dbSNP rs756081987, ClinGen allele CA297728976.

ClinVar aggregate classification (germline): Uncertain significance (1 of 4 stars; one submission).

Conditions:
Arrhythmogenic right ventricular dysplasia 10. Also called: ARRHYTHMOGENIC RIGHT VENTRICULAR DYSPLASIA, FAMILIAL, 10; Arrhythmogenic right ventricular dysplasia/cardiomyopathy, type 10; Arrhythmogenic Right Ventricular Dysplasia/Cardiomyopathy10. Identifiers: MedGen C1857777, MONDO:0012434, OMIM 610193.

Submission:

Labcorp Genetics (formerly Invitae), Labcorp
Classification: Uncertain significance for Arrhythmogenic right ventricular dysplasia 10. Last evaluated: 2024-10-15. Review status: criteria provided, single submitter. Criteria: Invitae Variant Classification Sherloc (09022015). Collection method: clinical testing. Allele origin: germline.
Comment: This sequence change replaces glycine, which is neutral and non-polar, with glutamic acid, which is acidic and polar, at codon 82 of the DSG2 protein (p.Gly82Glu). This variant is not present in population databases (gnomAD no frequency). This variant has not been reported in the literature in individuals affected with DSG2-related conditions. ClinVar contains an entry for this variant (Variation ID: 1502638). Invitae Evidence Modeling of protein sequence and biophysical properties (such as structural, functional, and spatial information, amino acid conservation, physicochemical variation, residue mobility, and thermodynamic stability) indicates that this missense variant is not expected to disrupt DSG2 protein function with a negative predictive value of 95%. In summary, the available evidence is currently insufficient to determine the role of this variant in disease. Therefore, it has been classified as a Variant of Uncertain Significance.